The following is an entry in ClinVar:

NM_000038.6(APC):c.1042del (p.Arg348fs)

Gene: APC (APC regulator of Wnt signaling pathway; plus strand). Cytogenetic location: 5q22.2.
Variant type: Deletion.
Coding change: c.1042del on transcript NM_000038.6 (MANE Select); coding-DNA position 1042, one base deleted (C; older notation c.1042delC).
Protein change: p.Arg348fs; shifts the reading frame from arginine 348.
Molecular consequence: frameshift variant. On other transcripts: intron variant (4).
Genome position (GRCh38, 1-based): chr5:112,819,074, C deleted. VCF-style (leftmost placement, unchanged base first): chr5-112819073-GC-G. GRCh37 (hg19) VCF-style: chr5-112154770-GC-G.
Other names: c.1042del, p.Arg348fs (NM_001127510.3, NM_001354895.2, NM_001354896.2); c.988del, p.Arg330fs (NM_001127511.3); c.1072del, p.Arg358fs (NM_001354897.2); c.967del, p.Arg323fs (NM_001354898.2); c.958del, p.Arg320fs (NM_001354899.2); c.865del, p.Arg289fs (NM_001354900.2, NM_001354901.2); c.193del, p.Arg65fs (NM_001354906.2); c.964-195del (NM_001354902.2); and 3 more; short protein forms R320fs, R323fs, R330fs, R348fs, R289fs, R358fs, R65fs.
Identifiers: ClinVar variation 839696 (VCV000839696.10), dbSNP rs1762821346, ClinGen allele CA916080337.

ClinVar aggregate classification (germline): Pathogenic. Review status: criteria provided, multiple submitters, no conflicts (2 of 4 stars). 2 submissions from 2 submitters: Pathogenic (2). Last evaluated 2023-10-19.

Conditions:
Familial adenomatous polyposis 1 (FAP1). Also called: FAMILIAL ADENOMATOUS POLYPOSIS 1, ATTENUATED; POLYPOSIS, ADENOMATOUS INTESTINAL. Identifiers: MedGen C2713442, MONDO:0021056, OMIM 175100. Disease mechanism: loss of function.

Submissions (2):

Myriad Genetics, Inc.
Classification: Pathogenic for Familial adenomatous polyposis 1. Last evaluated: 2023-10-19. Review status: criteria provided, single submitter. Criteria: Myriad Autosomal Dominant, Autosomal Recessive and X-Linked Classification Criteria (2023). Collection method: clinical testing. Allele origin: unknown.
Comment: This variant is considered pathogenic. This variant creates a frameshift predicted to result in premature protein truncation.

Labcorp Genetics (formerly Invitae), Labcorp
Classification: Pathogenic for Familial adenomatous polyposis 1. Last evaluated: 2019-05-06. Review status: criteria provided, single submitter. Criteria: Invitae Variant Classification Sherloc (09022015). Collection method: clinical testing. Allele origin: germline.
Comment: This sequence change creates a premature translational stop signal (p.Arg348Aspfs*106) in the APC gene. It is expected to result in an absent or disrupted protein product. This variant is not present in population databases (ExAC no frequency). This variant has not been reported in the literature in individuals with APC-related conditions. Loss-of-function variants in APC are known to be pathogenic (PMID: 17963004, 20685668). For these reasons, this variant has been classified as Pathogenic.

Literature cited by the submitters: PubMed 17963004 (cited by Labcorp Genetics (formerly Invitae), Labcorp); PubMed 20685668 (cited by Labcorp Genetics (formerly Invitae), Labcorp).